The following is an entry in ClinVar:

NM_001378454.1(ALMS1):c.2413A>G (p.Thr805Ala)

Gene: ALMS1 (ALMS1 centrosome and basal body associated protein; plus strand). Cytogenetic location: 2p13.1.
Variant type: single nucleotide variant.
Coding change: c.2413A>G on transcript NM_001378454.1 (MANE Select); coding-DNA position 2413, A replaced by G.
Protein change: p.Thr805Ala; replaces threonine 805 with alanine.
Molecular consequence: missense variant.
Genome position (GRCh38, 1-based): chr2:73,448,940, A>G. VCF-style: chr2-73448940-A-G. GRCh37 (hg19) VCF-style: chr2-73676067-A-G.
Other names: c.2416A>G, p.Thr806Ala (NM_015120.4); short protein forms T806A, T805A.
Identifiers: ClinVar variation 550428 (VCV000550428.9), dbSNP rs772260271, ClinGen allele CA1713338.

ClinVar aggregate classification (germline): Conflicting classifications of pathogenicity. Review status: criteria provided, conflicting classifications (1 of 4 stars). 7 submissions from 7 submitters: Uncertain significance (5); Likely benign (1). 1 of the submissions does not count toward it. Last evaluated 2023-06-27.

Conditions:
Cardiovascular phenotype. Identifiers: MedGen CN230736.
Alstrom syndrome (ALMS). Identifiers: Orphanet 64, MedGen C0268425, MONDO:0008763, OMIM 203800.

Allele frequency attached by ClinVar (database versions not stated): gnomAD 0.00001; gnomAD exomes 0.00003 and 0.00011; ExAC 0.00008; TOPMed 0.00008.
gnomAD v4.1: 48 of 1,613,740 alleles (0.003%); highest among the groups gnomAD compares: Admixed American, 0.038%; no homozygotes.

Submissions (7):

GeneDx
Classification: Uncertain significance. Last evaluated: 2023-06-27. Review status: criteria provided, single submitter. Criteria: GeneDx Variant Classification Process June 2021. Collection method: clinical testing. Allele origin: germline. Affected: yes.
Comment: In silico analysis supports that this missense variant does not alter protein structure/function; Has not been previously published as pathogenic or benign to our knowledge

Blueprint Genetics
Classification: Uncertain significance. Last evaluated: 2023-03-02. Review status: criteria provided, single submitter. Criteria: ACMG Guidelines, 2015. Collection method: clinical testing. Allele origin: germline.

Labcorp Genetics (formerly Invitae), Labcorp
Classification: Uncertain significance for Alstrom syndrome. Last evaluated: 2022-10-05. Review status: criteria provided, single submitter. Criteria: Invitae Variant Classification Sherloc (09022015). Collection method: clinical testing. Allele origin: germline.
Comment: This sequence change replaces threonine, which is neutral and polar, with alanine, which is neutral and non-polar, at codon 806 of the ALMS1 protein (p.Thr806Ala). This variant is present in population databases (rs772260271, gnomAD 0.06%). This variant has not been reported in the literature in individuals affected with ALMS1-related conditions. ClinVar contains an entry for this variant (Variation ID: 550428). Algorithms developed to predict the effect of missense changes on protein structure and function output the following: SIFT: "Not Available"; PolyPhen-2: "Not Available"; Align-GVGD: "Not Available". The alanine amino acid residue is found in multiple mammalian species, which suggests that this missense change does not adversely affect protein function. In summary, the available evidence is currently insufficient to determine the role of this variant in disease. Therefore, it has been classified as a Variant of Uncertain Significance.

Fulgent Genetics
Classification: Uncertain significance for Alstrom syndrome. Last evaluated: 2022-04-30. Review status: criteria provided, single submitter. Criteria: ACMG Guidelines, 2015. Collection method: clinical testing. Allele origin: unknown.

Ambry Genetics
Classification: Likely benign for Cardiovascular phenotype. Last evaluated: 2021-04-24. Review status: criteria provided, single submitter. Criteria: Ambry Variant Classification Scheme 2023. Collection method: clinical testing. Allele origin: germline.

Women's Health and Genetics/Laboratory Corporation of America, LabCorp
Classification: Uncertain significance. Last evaluated: 2017-12-11. Review status: criteria provided, single submitter. Criteria: LabCorp Variant Classification Summary - May 2015. Collection method: clinical testing. Allele origin: germline.
Comment: Variant summary: The ALMS1 c.2410A>G (p.Thr804Ala, alternative name c.2416A>G) variant involves the alteration of a non-conserved nucleotide. 3/5 in silico tools predict a benign outcome for this variant. This variant was found in 28/276508 control chromosomes at a frequency of 0.0001013, which does not exceed the estimated maximal expected allele frequency of a pathogenic ALMS1 variant (0.0022361). The variant of interest has not, to our knowledge, been reported in affected individuals via publications and/or reputable databases/clinical diagnostic laboratories; nor evaluated for functional impact by in vivo/vitro studies. Because of the absence of clinical information and the lack of functional studies, the variant is classified as a variant of uncertain significance (VUS).

Counsyl
Classification: Uncertain significance for Alstrom syndrome. Last evaluated: 2017-01-19. Review status: no assertion criteria provided. Collection method: clinical testing. Allele origin: unknown. Not counted in ClinVar's aggregate classification.